The following is an entry in ClinVar:

NM_022124.6(CDH23):c.4478A>G (p.Tyr1493Cys)

Gene: CDH23 (cadherin related 23; plus strand). Cytogenetic location: 10q22.1.
Variant type: single nucleotide variant.
Coding change: c.4478A>G on transcript NM_022124.6 (MANE Select); coding-DNA position 4478, A replaced by G.
Protein change: p.Tyr1493Cys; replaces tyrosine 1493 with cysteine.
Molecular consequence: missense variant.
Genome position (GRCh38, 1-based): chr10:71,739,762, A>G. VCF-style: chr10-71739762-A-G. GRCh37 (hg19) VCF-style: chr10-73499519-A-G.
Other names: short protein forms Y1493C.
Identifiers: ClinVar variation 5003127 (VCV005003127.1).

ClinVar aggregate classification (germline): Uncertain significance (1 of 4 stars; one submission).

Conditions:
Autosomal recessive nonsyndromic hearing loss 12. Also called: DEAFNESS, AUTOSOMAL RECESSIVE 12. Identifiers: Orphanet 90636, MedGen C1832394, MONDO:0011067, OMIM 601386.

gnomAD v4.1: 4 of 1,610,888 alleles (0.00025%); highest among the groups gnomAD compares: East Asian, 0.0022%; no homozygotes.

Submission:

OLLIN Analises Genomicas, OLLIN
Classification: Uncertain significance for Autosomal recessive nonsyndromic hearing loss 12. Last evaluated: 2026-08-06. Review status: criteria provided, single submitter. Criteria: ACMG Guidelines 2015 PMID 25741868. Collection method: clinical testing. Allele origin: germline. Inheritance: Autosomal recessive inheritance.
Comment: This missense variant, located in exon 36 (of 70), has been observed in gnomAD with an allele frequency of 0.00025%, but has not been reported in ClinVar or identified in the literature. In silico analysis predicts that this variant has a deleterious effect. According to the currently available evidence, this variant has been classified as uncertain significance (PM2_P, PP3).